The following is an entry in ClinVar:

NM_002796.3(PSMB4):c.629C>A (p.Ala210Asp)

Gene: PSMB4 (proteasome 20S subunit beta 4; plus strand). Cytogenetic location: 1q21.3.
Variant type: single nucleotide variant.
Coding change: c.629C>A on transcript NM_002796.3 (MANE Select); coding-DNA position 629, C replaced by A.
Protein change: p.Ala210Asp; replaces alanine 210 with aspartic acid.
Molecular consequence: missense variant.
Genome position (GRCh38, 1-based): chr1:151,401,291, C>A. VCF-style: chr1-151401291-C-A. GRCh37 (hg19) VCF-style: chr1-151373767-C-A.
Other names: short protein forms A210D.
Identifiers: ClinVar variation 2837227 (VCV002837227.3), dbSNP rs2529160308, ClinGen allele CA341926526.

ClinVar aggregate classification (germline): Uncertain significance (1 of 4 stars; one submission).

Submission:

Labcorp Genetics (formerly Invitae), Labcorp
Classification: Uncertain significance. Last evaluated: 2023-02-21. Review status: criteria provided, single submitter. Criteria: Invitae Variant Classification Sherloc (09022015). Collection method: clinical testing. Allele origin: germline.
Comment: This variant has not been reported in the literature in individuals affected with PSMB4-related conditions. This variant is not present in population databases (gnomAD no frequency). This sequence change replaces alanine, which is neutral and non-polar, with aspartic acid, which is acidic and polar, at codon 210 of the PSMB4 protein (p.Ala210Asp). An algorithm developed to predict the effect of missense changes on protein structure and function (PolyPhen-2) suggests that this variant is likely to be disruptive. In summary, the available evidence is currently insufficient to determine the role of this variant in disease. Therefore, it has been classified as a Variant of Uncertain Significance.